The following is an entry in ClinVar:

ClinVar aggregate classification (germline): Uncertain significance (1 of 4 stars; one submission).

Conditions:
Renal cell carcinoma. Identifiers: Orphanet 217071, MedGen C0007134, MeSH D002292, MONDO:0005086, HP:0005584.

Submission:

Labcorp Genetics (formerly Invitae), Labcorp
Classification: Uncertain significance for Renal cell carcinoma. Last evaluated: 2024-03-21. Review status: criteria provided, single submitter. Criteria: Invitae Variant Classification Sherloc (09022015). Collection method: clinical testing. Allele origin: germline.
Comment: This sequence change replaces serine, which is neutral and polar, with alanine, which is neutral and non-polar, at codon 468 of the MET protein (p.Ser468Ala). This variant is not present in population databases (gnomAD no frequency). This variant has not been reported in the literature in individuals affected with MET-related conditions. Advanced modeling of protein sequence and biophysical properties (such as structural, functional, and spatial information, amino acid conservation, physicochemical variation, residue mobility, and thermodynamic stability) performed at Invitae indicates that this missense variant is expected to disrupt MET protein function with a positive predictive value of 80%. In summary, the available evidence is currently insufficient to determine the role of this variant in disease. Therefore, it has been classified as a Variant of Uncertain Significance.

NM_000245.4(MET):c.1402T>G (p.Ser468Ala)

Gene: MET (MET proto-oncogene, receptor tyrosine kinase; plus strand). Cytogenetic location: 7q31.2.
Variant type: single nucleotide variant.
Coding change: c.1402T>G on transcript NM_000245.4 (MANE Select); coding-DNA position 1402, T replaced by G.
Protein change: p.Ser468Ala; replaces serine 468 with alanine.
Molecular consequence: missense variant.
Genome position (GRCh38, 1-based): chr7:116,739,959, T>G. VCF-style: chr7-116739959-T-G. GRCh37 (hg19) VCF-style: chr7-116380013-T-G.
Other names: c.1402T>G, p.Ser468Ala (NM_001127500.3, NM_001324401.3); c.112T>G, p.Ser38Ala (NM_001324402.2); short protein forms S38A, S468A.
Identifiers: ClinVar variation 3647110 (VCV003647110.2).